The following is an entry in ClinVar:

ClinVar aggregate classification (germline): Uncertain significance (0 of 4 stars; one submission).

Allele frequency attached by ClinVar (database versions not stated): gnomAD exomes 0.00003 and 0.00004; ExAC 0.00004.
gnomAD v4.1: 19 of 1,614,134 alleles (0.0012%); highest among the groups gnomAD compares: South Asian, 0.021%; no homozygotes.

Submission:

Department of Pathology and Laboratory Medicine, Sinai Health System
Classification: Uncertain significance. Review status: no assertion criteria provided. Collection method: clinical testing. Allele origin: unknown. Affected: yes. Study: The Canadian Open Genetics Repository (COGR).
Comment: The IGF1R p.Ser642Arg variant was not identified in the literature nor was it identified in ClinVar. The variant was identified in dbSNP (ID: rs749384354) and in control databases in 9 of 251486 chromosomes at a frequency of 0.00003579 (Genome Aggregation Database March 6, 2019, v2.1.1). The variant was observed in the South Asian population in 9 of 30616 chromosomes (freq: 0.000294), but was not observed in the African, Latino, Ashkenazi Jewish, East Asian, European (Finnish), European (non-Finnish), or Other populations. Although the p.Ser642 residue is not conserved in mammals and other organisms, four of five computational analyses (PolyPhen-2, SIFT, AlignGVGD, BLOSUM, MutationTaster) suggest that the variant may impact the protein. The variant occurs outside of the splicing consensus sequence and in silico or computational prediction software programs (SpliceSiteFinder, MaxEntScan, NNSPLICE, GeneSplicer) do not predict a difference in splicing. In summary, based on the above information the clinical significance of this variant cannot be determined with certainty at this time. This variant is classified as a variant of uncertain significance.

NM_000875.5(IGF1R):c.1924A>C (p.Ser642Arg)

Gene: IGF1R (insulin like growth factor 1 receptor; plus strand). Cytogenetic location: 15q26.3.
Variant type: single nucleotide variant.
Coding change: c.1924A>C on transcript NM_000875.5 (MANE Select); coding-DNA position 1924, A replaced by C.
Protein change: p.Ser642Arg; replaces serine 642 with arginine.
Molecular consequence: missense variant.
Genome position (GRCh38, 1-based): chr15:98,916,059, A>C. VCF-style: chr15-98916059-A-C. GRCh37 (hg19) VCF-style: chr15-99459288-A-C.
Other names: c.1924A>C, p.Ser642Arg (NM_001291858.2); short protein forms S642R.
Identifiers: ClinVar variation 1050029 (VCV001050029.1), dbSNP rs749384354, ClinGen allele CA7752242.